The following is an entry in ClinVar:

ClinVar aggregate classification (germline): Uncertain significance (1 of 4 stars; one submission).

gnomAD v4.1: 2 of 1,582,138 alleles (0.00013%); highest among the groups gnomAD compares: South Asian, 0.0023%; no homozygotes.

Submission:

Labcorp Genetics (formerly Invitae), Labcorp
Classification: Uncertain significance. Last evaluated: 2022-06-20. Review status: criteria provided, single submitter. Criteria: Invitae Variant Classification Sherloc (09022015). Collection method: clinical testing. Allele origin: germline.
Comment: In summary, the available evidence is currently insufficient to determine the role of this variant in disease. Therefore, it has been classified as a Variant of Uncertain Significance. Algorithms developed to predict the effect of sequence changes on RNA splicing suggest that this variant may create or strengthen a splice site. Algorithms developed to predict the effect of missense changes on protein structure and function are either unavailable or do not agree on the potential impact of this missense change (SIFT: "Deleterious"; PolyPhen-2: "Not Available"; Align-GVGD: "Class C0"). This variant has not been reported in the literature in individuals affected with ZCCHC8-related conditions. This variant is not present in population databases (gnomAD no frequency). This sequence change replaces glutamic acid, which is acidic and polar, with valine, which is neutral and non-polar, at codon 51 of the ZCCHC8 protein (p.Glu51Val).

NM_017612.5(ZCCHC8):c.152A>T (p.Glu51Val)

Gene: ZCCHC8 (zinc finger CCHC-type containing 8; minus strand). Cytogenetic location: 12q24.31.
Variant type: single nucleotide variant.
Coding change: c.152A>T on transcript NM_017612.5 (MANE Select); coding-DNA position 152, A replaced by T.
Protein change: p.Glu51Val; replaces glutamic acid 51 with valine.
Molecular consequence: missense variant. On other transcripts: 5 prime UTR variant (3).
Genome position (GRCh38, 1-based): chr12:122,500,689, T>A on the plus strand (A>T on the coding strand, the complement: ZCCHC8 is on the minus strand). VCF-style: chr12-122500689-T-A. GRCh37 (hg19) VCF-style: chr12-122985236-T-A.
Other names: c.152A>T, p.Glu51Val (NM_001350935.2); c.-772A>T (NM_001350936.2); c.-393A>T (NM_001350937.2); c.-287A>T (NM_001350938.2); short protein forms E51V.
Identifiers: ClinVar variation 1416527 (VCV001416527.8), dbSNP rs775934027, ClinGen allele CA482210573.